The following is an entry in ClinVar:

ClinVar aggregate classification (germline): Uncertain significance (1 of 4 stars; one submission).

Submission:

GeneDx
Classification: Uncertain significance. Last evaluated: 2026-04-21. Review status: criteria provided, single submitter. Criteria: GeneDx Variant Classification Process June 2021. Collection method: clinical testing. Allele origin: germline.
Comment: Not observed at significant frequency in large population cohorts (gnomAD); In silico analysis suggests that this missense variant does not alter protein structure/function; In silico analysis is inconclusive as to whether the variant alters gene splicing. In the absence of RNA/functional studies, the actual effect of this sequence change is unknown.; Has not been previously published as pathogenic or benign to our knowledge

NM_002547.3(OPHN1):c.2158G>A (p.Gly720Arg)

Gene: OPHN1 (oligophrenin 1; minus strand). Cytogenetic location: Xq12.
Variant type: single nucleotide variant.
Coding change: c.2158G>A on transcript NM_002547.3 (MANE Select); coding-DNA position 2158, G replaced by A.
Protein change: p.Gly720Arg; replaces glycine 720 with arginine.
Molecular consequence: missense variant. On other transcripts: intron variant (1).
Genome position (GRCh38, 1-based): chrX:68,063,854, C>T on the plus strand (G>A on the coding strand, the complement: OPHN1 is on the minus strand). VCF-style: chrX-68063854-C-T. GRCh37 (hg19) VCF-style: chrX-67283696-C-T.
Other names: c.1834+9298G>A (NM_001437258.1); short protein forms G720R.
Identifiers: ClinVar variation 5037078 (VCV005037078.1).